The following is an entry in ClinVar:

ClinVar aggregate classification (germline): Uncertain significance (1 of 4 stars; one submission).

Conditions:
Bone marrow failure syndrome 4. Identifiers: MedGen C4748257, MONDO:0020856, OMIM 618116.

Allele frequency attached by ClinVar (database versions not stated): ExAC 0.00003.
gnomAD v4.1: 12 of 1,613,534 alleles (0.00074%); highest among the groups gnomAD compares: South Asian, 0.012%; no homozygotes.

Submission:

Neuberg Centre For Genomic Medicine, NCGM
Classification: Uncertain significance for Bone marrow failure syndrome 4. Review status: criteria provided, single submitter. Criteria: ACMG Guidelines, 2015. Collection method: clinical testing. Allele origin: germline. Inheritance: Autosomal recessive inheritance. Affected: yes.
Comment: The missense c.44T>G p.Val15Gly variant in MYSM1 gene has not been reported previously as a pathogenic variant nor as a benign variant, to our knowledge. The p.Val15Gly variant has allele frequenct 0.001% in gnomAD Exomes and is novel not in any individuals in 1000 Genomes. This variant has not been reported to the ClinVar database. The amino acid change p.Val15Gly in MYSM1 is predicted as conserved by GERP++ and PhyloP across 100 vertebrates.The amino acid Val at position 15 is changed to a Gly changing protein sequence and it might alter its composition and physico-chemical properties. For these reasons, this variant has been classified as Variant of Uncertain Significance VUS.

NM_001085487.3(MYSM1):c.44T>G (p.Val15Gly)

Genes: MYSM1 (Myb like, SWIRM and MPN domains 1; minus strand), LOC129930616 (ATAC-STARR-seq lymphoblastoid active region 1087; plus strand). Cytogenetic location: 1p32.1.
Variant type: single nucleotide variant.
Coding change: c.44T>G on transcript NM_001085487.3 (MANE Select); coding-DNA position 44, T replaced by G.
Protein change: p.Val15Gly; replaces valine 15 with glycine.
Molecular consequence: missense variant.
Genome position (GRCh38, 1-based): chr1:58,700,009, A>C on the plus strand (T>G on the coding strand, the complement: MYSM1 is on the minus strand). VCF-style: chr1-58700009-A-C. GRCh37 (hg19) VCF-style: chr1-59165681-A-C.
Other names: short protein forms V15G.
Identifiers: ClinVar variation 3236453 (VCV003236453.2), dbSNP rs751146839, ClinGen allele CA878181.